The following is an entry in ClinVar:

NM_025137.4(SPG11):c.4906+2T>C

Gene: SPG11 (SPG11 vesicle trafficking associated, spatacsin; minus strand). Cytogenetic location: 15q21.1.
Variant type: single nucleotide variant.
Coding change: c.4906+2T>C on transcript NM_025137.4 (MANE Select); the canonical splice donor site of the intron after coding-DNA position 4906, T replaced by C.
Molecular consequence: splice donor variant.
Genome position (GRCh38, 1-based): chr15:44,589,250, A>G on the plus strand (T>C on the coding strand, the complement: SPG11 is on the minus strand). VCF-style: chr15-44589250-A-G. GRCh37 (hg19) VCF-style: chr15-44881448-A-G.
Other names: c.4906+2T>C (NM_001411132.1, NM_001160227.2).
Identifiers: ClinVar variation 2765404 (VCV002765404.3), dbSNP rs2505324090, ClinGen allele CA392224109.

ClinVar aggregate classification (germline): Likely pathogenic (1 of 4 stars; one submission).

Conditions:
Hereditary spastic paraplegia 11. Also called: Spastic paraplegia, mental retardation and thin corpus callosum; SPASTIC PARAPLEGIA, AUTOSOMAL RECESSIVE, COMPLICATED, WITH THIN CORPUS CALLOSUM; SPASTIC PARAPLEGIA, AUTOSOMAL RECESSIVE, WITH MENTAL IMPAIRMENT AND THIN CORPUS CALLOSUM; Spastic Paraplegia 11; Nakamura Osame syndrome; Autosomal recessive hereditary spastic paraplegia, mental impairment, and thin corpus callosum. Identifiers: Orphanet 2822, MedGen C1858479, MONDO:0011445, OMIM 604360.

Submission:

Labcorp Genetics (formerly Invitae), Labcorp
Classification: Likely pathogenic for Hereditary spastic paraplegia 11. Last evaluated: 2023-10-04. Review status: criteria provided, single submitter. Criteria: Invitae Variant Classification Sherloc (09022015). Collection method: clinical testing. Allele origin: germline.
Comment: This sequence change affects a donor splice site in intron 28 of the SPG11 gene. It is expected to disrupt RNA splicing. Variants that disrupt the donor or acceptor splice site typically lead to a loss of protein function (PMID: 16199547), and loss-of-function variants in SPG11 are known to be pathogenic (PMID: 19105190, 20110243, 22154821, 26556829). This variant is not present in population databases (gnomAD no frequency). This variant has not been reported in the literature in individuals affected with SPG11-related conditions. Algorithms developed to predict the effect of sequence changes on RNA splicing suggest that this variant may disrupt the consensus splice site. In summary, the currently available evidence indicates that the variant is pathogenic, but additional data are needed to prove that conclusively. Therefore, this variant has been classified as Likely Pathogenic.

Literature cited by the submitters: PubMed 16199547; PubMed 19105190; PubMed 20110243; PubMed 22154821; PubMed 26556829.